The following is an entry in ClinVar:

ClinVar aggregate classification (germline): Benign/Likely benign. Review status: criteria provided, multiple submitters, no conflicts (2 of 4 stars). 2 submissions from 2 submitters: Benign (1); Likely benign (1). Last evaluated 2026-03-01.

Allele frequency attached by ClinVar (database versions not stated): ESP Exome Variant Server 0.00015; gnomAD 0.00016 and 0.00017; 1000 Genomes Project 0.00020; TOPMed 0.00023; 1000 Genomes Project 30x 0.00031; ExAC 0.00056; gnomAD exomes 0.00061.
gnomAD v4.1: 311 of 1,614,116 alleles (0.019%); highest among the groups gnomAD compares: Admixed American, 0.16%; no homozygotes.

Submissions (2):

CeGaT Center for Human Genetics Tuebingen
Classification: Likely benign. Last evaluated: 2026-03-01. Review status: criteria provided, single submitter. Criteria: CeGaT Center For Human Genetics Tuebingen Variant Classification Criteria Version 2. Collection method: clinical testing. Allele origin: germline. Affected: yes. Observed: 1 variant allele.
Comment: IGSF10: BP4, BP7

Labcorp Genetics (formerly Invitae), Labcorp
Classification: Benign. Last evaluated: 2026-01-26. Review status: criteria provided, single submitter. Criteria: Invitae Variant Classification Sherloc (09022015). Collection method: clinical testing. Allele origin: germline.

NM_178822.5(IGSF10):c.6189C>T (p.Ser2063=)

Gene: IGSF10 (immunoglobulin superfamily member 10; minus strand). Cytogenetic location: 3q25.1.
Variant type: single nucleotide variant.
Coding change: c.6189C>T on transcript NM_178822.5 (MANE Select); coding-DNA position 6189, C replaced by T.
Protein change: p.Ser2063=; no amino-acid change (serine 2063 retained).
Molecular consequence: synonymous variant.
Genome position (GRCh38, 1-based): chr3:151,438,372, G>A on the plus strand (C>T on the coding strand, the complement: IGSF10 is on the minus strand). VCF-style: chr3-151438372-G-A. GRCh37 (hg19) VCF-style: chr3-151156160-G-A.
Other names: c.126C>T, p.Ser42= (NM_001178145.3, NM_001178146.3); c.6189C>T, p.Ser2063= (NM_001385060.1, NM_001385061.1, NM_001385062.1 and 1 more transcripts).
Identifiers: ClinVar variation 769615 (VCV000769615.13), dbSNP rs368664622, ClinGen allele CA2669569.
Genomic context (GRCh38, chr3:151,438,372, plus strand): 5'-TGCATTGTTGATCATGGTTCCATCAGGCAAACTCCAAGATATCTCTGGCACTGGGGAGCC[G>A]GAAGCTTTGCAATCTACTTGGAAATCTTTCCCATGGAGCACTTGCTTTCTAAAATACTGC-3'
Protein context (NP_849144.2, residues 2053-2073): GKDFQVDCKA[Ser2063=]GSPVPEISWS